The following is an entry in ClinVar:

NM_000455.5(STK11):c.1128G>A (p.Glu376=)

Gene: STK11 (serine/threonine kinase 11; plus strand). Cytogenetic location: 19p13.3.
Variant type: single nucleotide variant.
Coding change: c.1128G>A on transcript NM_000455.5 (MANE Select); coding-DNA position 1128, G replaced by A.
Protein change: p.Glu376=; no amino-acid change (glutamic acid 376 retained).
Molecular consequence: synonymous variant.
Genome position (GRCh38, 1-based): chr19:1,226,473, G>A. VCF-style: chr19-1226473-G-A. GRCh37 (hg19) VCF-style: chr19-1226472-G-A.
Identifiers: ClinVar variation 184286 (VCV000184286.67), dbSNP rs747018506, ClinGen allele CA022336.

ClinVar aggregate classification (germline): Benign/Likely benign. Review status: criteria provided, multiple submitters, no conflicts (2 of 4 stars). 13 submissions from 13 submitters: Benign (4); Likely benign (9). Last evaluated 2026-01-31.

Conditions:
Hereditary cancer-predisposing syndrome. Also called: Tumor predisposition; Neoplastic Syndromes, Hereditary; Hereditary Cancer Syndrome; Hereditary neoplastic syndrome. Identifiers: Orphanet 140162, MedGen C0027672, MeSH D009386, MONDO:0015356.
Peutz-Jeghers syndrome (PJS). Also called: Peutz-Jeghers polyposis; Periorificial lentiginosis syndrome; POLYPOSIS, HAMARTOMATOUS INTESTINAL; POLYPS-AND-SPOTS SYNDROME. Identifiers: Orphanet 2869, MedGen C0031269, MeSH D010580, MONDO:0008280, OMIM 175200.

Allele frequency attached by ClinVar (database versions not stated): gnomAD 0.00001; gnomAD exomes 0.00001; TOPMed 0.00001; ExAC 0.00002.
gnomAD v4.1: 15 of 1,611,238 alleles (0.00093%); highest among the groups gnomAD compares: Middle Eastern, 0.067%; no homozygotes.

Submissions (13):

Labcorp Genetics (formerly Invitae), Labcorp
Classification: Benign for Peutz-Jeghers syndrome. Last evaluated: 2026-01-31. Review status: criteria provided, single submitter. Criteria: Invitae Variant Classification Sherloc (09022015). Collection method: clinical testing. Allele origin: germline.

Myriad Genetics, Inc.
Classification: Benign for Peutz-Jeghers syndrome. Last evaluated: 2025-03-28. Review status: criteria provided, single submitter. Criteria: Myriad Autosomal Dominant, Autosomal Recessive and X-Linked Classification Criteria (2023). Collection method: clinical testing. Allele origin: unknown.
Comment: This variant is considered benign. This variant is a silent/synonymous amino acid change and it is not expected to impact splicing.

KCCC/NGS Laboratory, Kuwait Cancer Control Center
Classification: Benign for Peutz-Jeghers syndrome. Last evaluated: 2025-02-01. Review status: criteria provided, single submitter. Criteria: ACMG Guidelines, 2015. Collection method: clinical testing. Allele origin: germline. Affected: no.

CeGaT Center for Human Genetics Tuebingen
Classification: Likely benign. Last evaluated: 2024-10-01. Review status: criteria provided, single submitter. Criteria: CeGaT Center For Human Genetics Tuebingen Variant Classification Criteria Version 2. Collection method: clinical testing. Allele origin: germline. Affected: yes. Observed: 15 variant alleles.
Comment: STK11: BP4, BP7

Blueprint Genetics
Classification: Likely benign. Last evaluated: 2024-09-23. Review status: criteria provided, single submitter. Criteria: ACMG Guidelines, 2015. Collection method: clinical testing. Allele origin: germline.

All of Us Research Program, National Institutes of Health
Classification: Likely benign for Peutz-Jeghers syndrome. Last evaluated: 2024-07-20. Review status: criteria provided, single submitter. Criteria: ACMG Guidelines, 2015. Collection method: clinical testing. Allele origin: germline. Inheritance: Autosomal dominant inheritance. Observed: 4 variant alleles, 4 heterozygotes.
Comment: This study involves interpretation of variants in research participants for the purpose of population health screening. Participant phenotype was not available at the time of variant classification. Additional details can be found in publication PMID: 35346344, PMCID: PMC8962531

Women's Health and Genetics/Laboratory Corporation of America, LabCorp
Classification: Likely benign. Last evaluated: 2023-10-16. Review status: criteria provided, single submitter. Criteria: LabCorp Variant Classification Summary - May 2015. Collection method: clinical testing. Allele origin: germline.

Quest Diagnostics Nichols Institute San Juan Capistrano
Classification: Likely benign. Last evaluated: 2023-08-11. Review status: criteria provided, single submitter. Criteria: Quest Diagnostics criteria. Collection method: clinical testing. Allele origin: unknown.

Genome-Nilou Lab
Classification: Likely benign for Peutz-Jeghers syndrome. Last evaluated: 2021-07-15. Review status: criteria provided, single submitter. Criteria: ACMG Guidelines, 2015. Collection method: clinical testing. Allele origin: germline. Affected: no.

Sema4
Classification: Likely benign for Hereditary cancer-predisposing syndrome. Last evaluated: 2021-06-07. Review status: criteria provided, single submitter. Criteria: Sema4 Curation Guidelines. Collection method: curation. Allele origin: germline.

Color Diagnostics, LLC DBA Color Health
Classification: Likely benign for Hereditary cancer-predisposing syndrome. Last evaluated: 2017-03-07. Review status: criteria provided, single submitter. Criteria: ACMG Guidelines, 2015. Collection method: clinical testing. Allele origin: germline.

Ambry Genetics
Classification: Likely benign for Hereditary cancer-predisposing syndrome. Last evaluated: 2015-03-10. Review status: criteria provided, single submitter. Criteria: Ambry Variant Classification Scheme 2023. Collection method: clinical testing. Allele origin: germline.

GeneDx
Classification: Benign. Last evaluated: 2015-03-03. Review status: criteria provided, single submitter. Criteria: GeneDx Variant Classification Process June 2021. Collection method: clinical testing. Allele origin: germline. Affected: yes.